The following is an entry in ClinVar:

NM_002691.4(POLD1):c.971-17A>T

Gene: POLD1 (DNA polymerase delta 1, catalytic subunit; plus strand). Cytogenetic location: 19q13.33.
Variant type: single nucleotide variant.
Coding change: c.971-17A>T on transcript NM_002691.4 (MANE Select); 17 bases into the intron before coding-DNA position 971, A replaced by T.
Molecular consequence: intron variant.
Genome position (GRCh38, 1-based): chr19:50,403,036, A>T. VCF-style: chr19-50403036-A-T. GRCh37 (hg19) VCF-style: chr19-50906293-A-T.
Other names: c.971-17A>T (NM_001256849.1, NM_001308632.1).
Identifiers: ClinVar variation 3904105 (VCV003904105.1).

ClinVar aggregate classification (germline): Likely benign (1 of 4 stars; one submission).

Conditions:
POLD1-related polyposis and colorectal cancer syndrome (CRCS10). Also called: Colorectal cancer 10; COLORECTAL CANCER, SUSCEPTIBILITY TO, ON CHROMOSOME 19q; Colorectal cancer, susceptibility to, 10. Identifiers: Orphanet 220460, MedGen C2675481, MONDO:0012953, OMIM 612591.

Submission:

Myriad Genetics, Inc.
Classification: Likely benign for POLD1-related polyposis and colorectal cancer syndrome. Last evaluated: 2025-02-05. Review status: criteria provided, single submitter. Criteria: Myriad Autosomal Dominant, Autosomal Recessive and X-Linked Classification Criteria (2023). Collection method: clinical testing. Allele origin: unknown.
Comment: This variant is considered likely benign. This variant is intronic and is not expected to impact mRNA splicing.